The following is an entry in ClinVar:

ClinVar aggregate classification (germline): Likely benign (0 of 4 stars; one submission).

Conditions:
MEIS2-related disorder.

Allele frequency attached by ClinVar (database versions not stated): TOPMed below 0.00001; gnomAD 0.00001; gnomAD exomes 0.00003; ExAC 0.00008; 1000 Genomes Project 30x 0.00031.
gnomAD v4.1: 40 of 1,606,454 alleles (0.0025%); highest among the groups gnomAD compares: South Asian, 0.041%; 2 homozygotes.

Submission:

PreventionGenetics, part of Exact Sciences
Classification: Likely benign for MEIS2-related condition. Last evaluated: 2020-03-03. Review status: no assertion criteria provided. Collection method: clinical testing. Allele origin: germline.
Comment: This variant is classified as likely benign based on ACMG/AMP sequence variant interpretation guidelines (Richards et al. 2015 PMID: 25741868, with internal and published modifications).

NM_170675.5(MEIS2):c.223C>A (p.Arg75=)

Gene: MEIS2 (Meis homeobox 2; minus strand). Cytogenetic location: 15q14.
Variant type: single nucleotide variant.
Coding change: c.223C>A on transcript NM_170675.5 (MANE Select); coding-DNA position 223, C replaced by A.
Protein change: p.Arg75=; no amino-acid change (arginine 75 retained).
Molecular consequence: synonymous variant. On other transcripts: 5 prime UTR variant (1), non-coding transcript variant (1).
Genome position (GRCh38, 1-based): chr15:37,097,989, G>T on the plus strand (C>A on the coding strand, the complement: MEIS2 is on the minus strand). VCF-style: chr15-37097989-G-T. GRCh37 (hg19) VCF-style: chr15-37390190-G-T.
Other names: c.223C>A, p.Arg75= (NM_001220482.2, NM_170674.5, NM_170676.5 and 1 more transcripts); c.184C>A, p.Arg62= (NM_002399.4, NM_172315.3); c.-19C>A (NM_172316.3).
Identifiers: ClinVar variation 3058104 (VCV003058104.2), dbSNP rs778472349, ClinGen allele CA7469453.